The following is an entry in ClinVar:

NM_006580.4(CLDN16):c.641T>C (p.Met214Thr)

Gene: CLDN16 (claudin 16; plus strand). Cytogenetic location: 3q28.
Variant type: single nucleotide variant.
Coding change: c.641T>C on transcript NM_006580.4 (MANE Select); coding-DNA position 641, T replaced by C.
Protein change: p.Met214Thr; replaces methionine 214 with threonine.
Molecular consequence: missense variant.
Genome position (GRCh38, 1-based): chr3:190,409,969, T>C. VCF-style: chr3-190409969-T-C. GRCh37 (hg19) VCF-style: chr3-190127758-T-C.
Other names: c.641T>C, p.Met214Thr (NM_001378492.1, NM_001378493.1); short protein forms M214T.
Identifiers: ClinVar variation 2808014 (VCV002808014.3), dbSNP rs2473803087, ClinGen allele CA355768581.

ClinVar aggregate classification (germline): Uncertain significance (1 of 4 stars; one submission).

Allele frequency attached by ClinVar (database versions not stated): gnomAD exomes below 0.00001.
gnomAD v4.1: 2 of 1,614,034 alleles (0.00012%); highest among the groups gnomAD compares: Non-Finnish European, 0.000085%; no homozygotes.

Submission:

Labcorp Genetics (formerly Invitae), Labcorp
Classification: Uncertain significance. Last evaluated: 2024-12-02. Review status: criteria provided, single submitter. Criteria: Invitae Variant Classification Sherloc (09022015). Collection method: clinical testing. Allele origin: germline.
Comment: This sequence change replaces methionine, which is neutral and non-polar, with threonine, which is neutral and polar, at codon 284 of the CLDN16 protein (p.Met284Thr). This variant is not present in population databases (gnomAD no frequency). This variant has not been reported in the literature in individuals affected with CLDN16-related conditions. ClinVar contains an entry for this variant (Variation ID: 2808014). Invitae Evidence Modeling of protein sequence and biophysical properties (such as structural, functional, and spatial information, amino acid conservation, physicochemical variation, residue mobility, and thermodynamic stability) indicates that this missense variant is not expected to disrupt CLDN16 protein function with a negative predictive value of 95%. In summary, the available evidence is currently insufficient to determine the role of this variant in disease. Therefore, it has been classified as a Variant of Uncertain Significance.